The following is an entry in ClinVar:

ClinVar aggregate classification (germline): Uncertain significance (1 of 4 stars; one submission).

Conditions:
Birt-Hogg-Dube syndrome. Also called: Birt Hogg Dubé syndrome. Identifiers: Orphanet 122, MedGen C0346010, MONDO:0800444.

Submission:

Labcorp Genetics (formerly Invitae), Labcorp
Classification: Uncertain significance for Birt-Hogg-Dube syndrome. Last evaluated: 2025-01-23. Review status: criteria provided, single submitter. Criteria: Invitae Variant Classification Sherloc (09022015). Collection method: clinical testing. Allele origin: germline.
Comment: This sequence change replaces aspartic acid, which is acidic and polar, with asparagine, which is neutral and polar, at codon 382 of the FLCN protein (p.Asp382Asn). This variant is not present in population databases (gnomAD no frequency). This variant has not been reported in the literature in individuals affected with FLCN-related conditions. Invitae Evidence Modeling of protein sequence and biophysical properties (such as structural, functional, and spatial information, amino acid conservation, physicochemical variation, residue mobility, and thermodynamic stability) indicates that this missense variant is not expected to disrupt FLCN protein function with a negative predictive value of 80%. In summary, the available evidence is currently insufficient to determine the role of this variant in disease. Therefore, it has been classified as a Variant of Uncertain Significance.

NM_144997.7(FLCN):c.1144G>A (p.Asp382Asn)

Gene: FLCN (folliculin; minus strand). Cytogenetic location: 17p11.2.
Variant type: single nucleotide variant.
Coding change: c.1144G>A on transcript NM_144997.7 (MANE Select); coding-DNA position 1144, G replaced by A.
Protein change: p.Asp382Asn; replaces aspartic acid 382 with asparagine.
Molecular consequence: missense variant.
Genome position (GRCh38, 1-based): chr17:17,217,101, C>T on the plus strand (G>A on the coding strand, the complement: FLCN is on the minus strand). VCF-style: chr17-17217101-C-T. GRCh37 (hg19) VCF-style: chr17-17120415-C-T.
Other names: c.1198G>A, p.Asp400Asn (NM_001353229.2); c.1144G>A, p.Asp382Asn (NM_001353230.2, NM_001353231.2); short protein forms D400N, D382N.
Identifiers: ClinVar variation 3719253 (VCV003719253.2).
Genomic context (GRCh38, chr17:17,217,101, plus strand): 5'-CGCACACCTAAGGAAAAGATGTTCTCACCCGAAGTACTTCAAAAGCTGACTGGACGAGGT[C>T]CACGTCTCTGCTTTTCCAGATCACCTGGTTCCCCATGAGAACGTGCCAGGCCAGCATGCG-3'
Protein context (NP_659434.2, residues 372-392): NQVIWKSRDV[Asp382Asn]LVQSAFEVLR